The following is an entry in ClinVar:

NM_001160372.4(TRAPPC9):c.2605A>G (p.Thr869Ala)

Gene: TRAPPC9 (trafficking protein particle complex subunit 9; minus strand). Cytogenetic location: 8q24.3.
Variant type: single nucleotide variant.
Coding change: c.2605A>G on transcript NM_001160372.4 (MANE Select); coding-DNA position 2605, A replaced by G.
Protein change: p.Thr869Ala; replaces threonine 869 with alanine.
Molecular consequence: missense variant. On other transcripts: non-coding transcript variant (1).
Genome position (GRCh38, 1-based): chr8:140,024,031, T>C on the plus strand (A>G on the coding strand, the complement: TRAPPC9 is on the minus strand). VCF-style: chr8-140024031-T-C. GRCh37 (hg19) VCF-style: chr8-141034128-T-C.
Other names: c.2578A>G, p.Thr860Ala (NM_001321646.2); c.2626A>G, p.Thr876Ala (NM_001374682.1); c.2605A>G, p.Thr869Ala (NM_001374683.1, NM_031466.8); c.2461A>G, p.Thr821Ala (NM_001374684.1); short protein forms T860A, T869A, T821A, T876A.
Identifiers: ClinVar variation 1916626 (VCV001916626.5), dbSNP rs2537478490, ClinGen allele CA372735729.

ClinVar aggregate classification (germline): Uncertain significance (1 of 4 stars; one submission).

Submission:

Labcorp Genetics (formerly Invitae), Labcorp
Classification: Uncertain significance. Last evaluated: 2022-08-01. Review status: criteria provided, single submitter. Criteria: Invitae Variant Classification Sherloc (09022015). Collection method: clinical testing. Allele origin: germline.
Comment: This sequence change replaces threonine, which is neutral and polar, with alanine, which is neutral and non-polar, at codon 967 of the TRAPPC9 protein (p.Thr967Ala). This variant is not present in population databases (gnomAD no frequency). This variant has not been reported in the literature in individuals affected with TRAPPC9-related conditions. Algorithms developed to predict the effect of missense changes on protein structure and function output the following: SIFT: "Not Available"; PolyPhen-2: "Benign"; Align-GVGD: "Not Available". The alanine amino acid residue is found in multiple mammalian species, which suggests that this missense change does not adversely affect protein function. In summary, the available evidence is currently insufficient to determine the role of this variant in disease. Therefore, it has been classified as a Variant of Uncertain Significance.